The following is an entry in ClinVar:

NM_006949.4(STXBP2):c.1444G>A (p.Val482Ile)

Gene: STXBP2 (syntaxin binding protein 2; plus strand). Cytogenetic location: 19p13.2.
Variant type: single nucleotide variant.
Coding change: c.1444G>A on transcript NM_006949.4 (MANE Select); coding-DNA position 1444, G replaced by A.
Protein change: p.Val482Ile; replaces valine 482 with isoleucine.
Molecular consequence: missense variant. On other transcripts: non-coding transcript variant (1).
Genome position (GRCh38, 1-based): chr19:7,646,336, G>A. VCF-style: chr19-7646336-G-A. GRCh37 (hg19) VCF-style: chr19-7711222-G-A.
Other names: c.1435G>A, p.Val479Ile (NM_001127396.3); c.1477G>A, p.Val493Ile (NM_001272034.2); c.1348G>A, p.Val450Ile (NM_001414484.1); short protein forms V482I, V450I, V479I, V493I.
Identifiers: ClinVar variation 2130611 (VCV002130611.4), dbSNP rs749915574, ClinGen allele CA9144155.

ClinVar aggregate classification (germline): Uncertain significance (1 of 4 stars; one submission).

Conditions:
Familial hemophagocytic lymphohistiocytosis 5. Also called: STXBP2-Related Familial Hemophagocytic Lymphohistiocytosis (STXBP2-fHLH). Identifiers: Orphanet 540, MedGen C2751293, MONDO:0013135, OMIM 613101.

Allele frequency attached by ClinVar (database versions not stated): ExAC 0.00003; gnomAD 0.00003; gnomAD exomes 0.00003.

Submission:

Labcorp Genetics (formerly Invitae), Labcorp
Classification: Uncertain significance for Familial hemophagocytic lymphohistiocytosis 5. Last evaluated: 2022-05-15. Review status: criteria provided, single submitter. Criteria: Invitae Variant Classification Sherloc (09022015). Collection method: clinical testing. Allele origin: germline.
Comment: Algorithms developed to predict the effect of sequence changes on RNA splicing suggest that this variant may disrupt the consensus splice site. In summary, the available evidence is currently insufficient to determine the role of this variant in disease. Therefore, it has been classified as a Variant of Uncertain Significance. Algorithms developed to predict the effect of missense changes on protein structure and function output the following: SIFT: "Tolerated"; PolyPhen-2: "Benign"; Align-GVGD: "Class C0". The isoleucine amino acid residue is found in multiple mammalian species, which suggests that this missense change does not adversely affect protein function. This missense change has been observed in individual(s) with hemophagocytic lymphohistiocytosis (PMID: 26451869). The frequency data for this variant in the population databases is considered unreliable, as metrics indicate poor data quality at this position in the gnomAD database. This sequence change replaces valine, which is neutral and non-polar, with isoleucine, which is neutral and non-polar, at codon 482 of the STXBP2 protein (p.Val482Ile).

Literature cited by the submitters: PubMed 26451869.